The following is an entry in ClinVar:

NM_000439.5(PCSK1):c.526G>A (p.Asp176Asn)

Genes: CAST (calpastatin; plus strand), PCSK1 (proprotein convertase subtilisin/kexin type 1; minus strand), LOC101929710 (uncharacterized LOC101929710; plus strand). Cytogenetic location: 5q15.
Variant type: single nucleotide variant.
Coding change: c.526G>A on transcript NM_000439.5 (MANE Select); coding-DNA position 526, G replaced by A.
Protein change: p.Asp176Asn; replaces aspartic acid 176 with asparagine.
Molecular consequence: missense variant. On other transcripts: intron variant (11).
Genome position (GRCh38, 1-based): chr5:96,423,330, C>T on the plus strand (G>A on the coding strand, the complement: PCSK1 is on the minus strand). VCF-style: chr5-96423330-C-T. GRCh37 (hg19) VCF-style: chr5-95759034-C-T.
Other names: c.385G>A, p.Asp129Asn (NM_001177875.2); c.-175+43678C>T (NM_001423254.1, NM_001423259.1, NM_001423255.1 and 6 more transcripts); c.-103+43678C>T (NM_001423253.1); c.-40+43678C>T (NM_001423258.1); short protein forms D129N, D176N.
Identifiers: ClinVar variation 3350351 (VCV003350351.3).

ClinVar aggregate classification (germline): Uncertain significance. Review status: criteria provided, multiple submitters, no conflicts (2 of 4 stars). 3 submissions from 3 submitters: Uncertain significance (2). 1 of the submissions does not count toward it. Last evaluated 2025-01-31.

Conditions:
Inborn genetic diseases. Identifiers: MedGen C0950123, MeSH D030342.
PCSK1-related disorder. Also called: PCSK1-related condition.

gnomAD v4.1: 6 of 1,611,000 alleles (0.00037%); highest among the groups gnomAD compares: South Asian, 0.0011%; no homozygotes.

Submissions (3):

Ambry Genetics
Classification: Uncertain significance for Inborn genetic diseases. Last evaluated: 2025-01-31. Review status: criteria provided, single submitter. Criteria: Ambry Variant Classification Scheme 2023. Collection method: clinical testing. Allele origin: germline.

Blueprint Genetics
Classification: Uncertain significance. Last evaluated: 2024-04-04. Review status: criteria provided, single submitter. Criteria: ACMG Guidelines, 2015. Collection method: clinical testing. Allele origin: germline.

PreventionGenetics, part of Exact Sciences
Classification: Uncertain significance for PCSK1-related condition. Last evaluated: 2024-03-07. Review status: no assertion criteria provided. Collection method: clinical testing. Allele origin: germline. Not counted in ClinVar's aggregate classification.
Comment: The PCSK1 c.526G>A variant is predicted to result in the amino acid substitution p.Asp176Asn. This variant was observed in a cohort of obese individuals, and in vitro functional studies showed strong evidence of loss of function (Supplemental Data Set, Shah et al. 2023. PubMed ID: 36864747). To our knowledge, this variant has not been reported in a large population database, indicating this variant is rare. Although we suspect that this variant may be pathogenic, at this time, the clinical significance of this variant is uncertain due to the absence of conclusive functional and genetic evidence.